The following is an entry in ClinVar:

NM_198491.3(CIBAR2):c.633C>G (p.Asp211Glu)

Gene: CIBAR2 (CBY1 interacting BAR domain containing 2; minus strand). Cytogenetic location: 16q24.1.
Variant type: single nucleotide variant.
Coding change: c.633C>G on transcript NM_198491.3 (MANE Select); coding-DNA position 633, C replaced by G.
Protein change: p.Asp211Glu; replaces aspartic acid 211 with glutamic acid.
Molecular consequence: missense variant.
Genome position (GRCh38, 1-based): chr16:85,102,232, G>C on the plus strand (C>G on the coding strand, the complement: CIBAR2 is on the minus strand). VCF-style: chr16-85102232-G-C. GRCh37 (hg19) VCF-style: chr16-85135838-G-C.
Other names: c.633C>G (NM_198491.1); c.633C>G, p.Asp211Glu (NM_001366920.1); short protein forms D211E.
Identifiers: ClinVar variation 3040667 (VCV003040667.3), dbSNP rs61740642, ClinGen allele CA8213424.
Genomic context (GRCh38, chr16:85,102,232, plus strand): 5'-GCCCCACTCCACCATATAGGAAACGGGGTGTCTGTGACTCACCAGTAGATCCCTCTCCAG[G>C]TCATACTTCTCCAGGGTCTGGAAGGCGCTAGAATACACCTCCACCGCTTTGGCATGGAAA-3'
Protein context (NP_940893.1, residues 201-221): SSAFQTLEKY[Asp211Glu]LERDLLDFRA

ClinVar aggregate classification (germline): Uncertain significance. Review status: criteria provided, single submitter (1 of 4 stars). 2 submissions from 2 submitters: Uncertain significance (1). 1 of the submissions does not count toward it. Last evaluated 2025-11-12.

Conditions:
CIBAR2-related disorder. Also called: CIBAR2-related condition.

Allele frequency attached by ClinVar (database versions not stated): 1000 Genomes Project 30x 0.00047; 1000 Genomes Project 0.00060; ESP Exome Variant Server 0.00208.

Submissions (2):

Ambry Genetics
Classification: Uncertain significance. Last evaluated: 2025-11-12. Review status: criteria provided, single submitter. Criteria: Ambry Variant Classification Scheme 2023. Collection method: clinical testing. Allele origin: germline.

PreventionGenetics, part of Exact Sciences
Classification: Likely benign for CIBAR2-related condition. Last evaluated: 2022-02-04. Review status: no assertion criteria provided. Collection method: clinical testing. Allele origin: germline. Not counted in ClinVar's aggregate classification.
Comment: This variant is classified as likely benign based on ACMG/AMP sequence variant interpretation guidelines (Richards et al. 2015 PMID: 25741868, with internal and published modifications).